The following is an entry in ClinVar:

NM_013254.4(TBK1):c.1422C>T (p.Asn474=)

Gene: TBK1 (TANK binding kinase 1; plus strand). Cytogenetic location: 12q14.2.
Variant type: single nucleotide variant.
Coding change: c.1422C>T on transcript NM_013254.4 (MANE Select); coding-DNA position 1422, C replaced by T.
Protein change: p.Asn474=; no amino-acid change (asparagine 474 retained).
Molecular consequence: synonymous variant.
Genome position (GRCh38, 1-based): chr12:64,488,568, C>T. VCF-style: chr12-64488568-C-T. GRCh37 (hg19) VCF-style: chr12-64882348-C-T.
Identifiers: ClinVar variation 1616006 (VCV001616006.9), dbSNP rs747788401, ClinGen allele CA6669051.

ClinVar aggregate classification (germline): Likely benign. Review status: criteria provided, multiple submitters, no conflicts (2 of 4 stars). 2 submissions from 2 submitters: Likely benign (2). Last evaluated 2026-08-01.

Conditions:
Frontotemporal dementia and/or amyotrophic lateral sclerosis 4. Also called: FTDALS4. Identifiers: Orphanet 275872, MedGen C4225325, MONDO:0014641, OMIM 616439.

Allele frequency attached by ClinVar (database versions not stated): gnomAD exomes below 0.00001 and 0.00001; ExAC 0.00001; gnomAD 0.00001; TOPMed 0.00004.
gnomAD v4.1: 9 of 1,601,512 alleles (0.00056%); highest among the groups gnomAD compares: Admixed American, 0.0052%; no homozygotes.

Submissions (2):

CeGaT Center for Human Genetics Tuebingen
Classification: Likely benign. Last evaluated: 2026-08-01. Review status: criteria provided, single submitter. Criteria: CeGaT Center For Human Genetics Tuebingen Variant Classification Criteria Version 2. Collection method: clinical testing. Allele origin: germline. Affected: yes. Observed: 1 variant allele.
Comment: TBK1: BP4, BP7

Labcorp Genetics (formerly Invitae), Labcorp
Classification: Likely benign for Frontotemporal dementia and/or amyotrophic lateral sclerosis 4. Last evaluated: 2025-07-29. Review status: criteria provided, single submitter. Criteria: Invitae Variant Classification Sherloc (09022015). Collection method: clinical testing. Allele origin: germline.